The following is an entry in ClinVar:

ClinVar aggregate classification (germline): Uncertain significance (1 of 4 stars; one submission).

Conditions:
Hereditary cancer-predisposing syndrome. Also called: Neoplastic Syndromes, Hereditary; Tumor predisposition; Hereditary neoplastic syndrome; Hereditary Cancer Syndrome. Identifiers: Orphanet 140162, MedGen C0027672, MeSH D009386, MONDO:0015356.

Submission:

Ambry Genetics
Classification: Uncertain significance for Hereditary cancer-predisposing syndrome. Last evaluated: 2025-05-24. Review status: criteria provided, single submitter. Criteria: Ambry Variant Classification Scheme 2023. Collection method: clinical testing. Allele origin: germline.
Comment: The p.A176G variant (also known as c.527C>G), located in coding exon 5 of the MITF gene, results from a C to G substitution at nucleotide position 527. The alanine at codon 176 is replaced by glycine, an amino acid with similar properties. This amino acid position is conserved. In addition, this alteration is predicted to be tolerated by in silico analysis. Based on the available evidence, the clinical significance of this variant remains unclear.

NM_001354604.2(MITF):c.848C>G (p.Ala283Gly)

Gene: MITF (melanocyte inducing transcription factor; plus strand). Cytogenetic location: 3p13.
Variant type: single nucleotide variant.
Coding change: c.848C>G on transcript NM_001354604.2 (MANE Select); coding-DNA position 848, C replaced by G.
Protein change: p.Ala283Gly; replaces alanine 283 with glycine.
Molecular consequence: missense variant.
Genome position (GRCh38, 1-based): chr3:69,949,136, C>G. VCF-style: chr3-69949136-C-G. GRCh37 (hg19) VCF-style: chr3-69998287-C-G.
Other names: c.527C>G, p.Ala176Gly (NM_000248.4, NM_198158.3); c.692C>G, p.Ala231Gly (NM_001184967.2, NM_001354608.2); c.845C>G, p.Ala282Gly (NM_001354605.2, NM_001354606.2, NM_006722.3); c.797C>G, p.Ala266Gly (NM_001354607.2); c.848C>G, p.Ala283Gly (NM_198159.3); c.800C>G, p.Ala267Gly (NM_198177.3); c.359C>G, p.Ala120Gly (NM_198178.3); short protein forms A231G, A176G, A282G, A120G, A266G, A267G, A283G.
Identifiers: ClinVar variation 4055214 (VCV004055214.1).